The following is an entry in ClinVar:

ClinVar aggregate classification (germline): Uncertain significance (1 of 4 stars; one submission).

Conditions:
Familial focal epilepsy with variable foci (FPEVF). Identifiers: Orphanet 98820, MedGen C1858477, MONDO:0020310.

gnomAD v4.1: 1 of 1,607,128 alleles (0.000062%); highest among the groups gnomAD compares: African/African-American, 0.0013%; no homozygotes.

Submission:

Labcorp Genetics (formerly Invitae), Labcorp
Classification: Uncertain significance for Familial focal epilepsy with variable foci. Last evaluated: 2025-11-09. Review status: criteria provided, single submitter. Criteria: Invitae Variant Classification Sherloc (09022015). Collection method: clinical testing. Allele origin: germline.
Comment: This sequence change replaces aspartic acid, which is acidic and polar, with glutamic acid, which is acidic and polar, at codon 346 of the DEPDC5 protein (p.Asp346Glu). This variant is not present in population databases (gnomAD no frequency). This variant has not been reported in the literature in individuals affected with DEPDC5-related conditions. Experimental studies and prediction algorithms are not available or were not evaluated, and the functional significance of this variant is currently unknown. In summary, the available evidence is currently insufficient to determine the role of this variant in disease. Therefore, it has been classified as a Variant of Uncertain Significance.

NM_001242896.3(DEPDC5):c.1038C>A (p.Asp346Glu)

Gene: DEPDC5 (DEP domain containing 5, GATOR1 subcomplex subunit; plus strand). Cytogenetic location: 22q12.3.
Variant type: single nucleotide variant.
Coding change: c.1038C>A on transcript NM_001242896.3 (MANE Select); coding-DNA position 1038, C replaced by A.
Protein change: p.Asp346Glu; replaces aspartic acid 346 with glutamic acid.
Molecular consequence: missense variant. On other transcripts: non-coding transcript variant (5).
Genome position (GRCh38, 1-based): chr22:31,802,795, C>A. VCF-style: chr22-31802795-C-A. GRCh37 (hg19) VCF-style: chr22-32198781-C-A.
Other names: c.1038C>A, p.Asp346Glu (NM_001007188.4, NM_001136029.4, NM_001242897.2 and 7 more transcripts); c.954C>A, p.Asp318Glu (NM_001369901.1, NM_001369902.1); short protein forms D318E, D346E.
Identifiers: ClinVar variation 4722347 (VCV004722347.1).
Genomic context (GRCh38, chr22:31,802,795, plus strand): 5'-TGACCGAACTGGGCAGATGTCAGTGGTGATCACGCCCGGGGTGGGTGTCTTTGAAGTGGA[C>A]CGCCTACTCATGATCCTGACCAAGCAGCGGATGATAGATAATGGTAATGCTCTCTGGTTT-3'
Protein context (NP_001229825.1, residues 336-356): ITPGVGVFEV[Asp346Glu]RLLMILTKQR